The following is an entry in ClinVar:

NM_001365276.2(TNXB):c.8342G>A (p.Arg2781His)

Gene: TNXB (tenascin XB; minus strand). Cytogenetic location: 6p21.33.
Variant type: single nucleotide variant.
Coding change: c.8342G>A on transcript NM_001365276.2 (MANE Select); coding-DNA position 8342, G replaced by A.
Protein change: p.Arg2781His; replaces arginine 2781 with histidine.
Molecular consequence: missense variant.
Genome position (GRCh38, 1-based): chr6:32,055,976, C>T on the plus strand (G>A on the coding strand, the complement: TNXB is on the minus strand). VCF-style: chr6-32055976-C-T. GRCh37 (hg19) VCF-style: chr6-32023753-C-T.
Other names: c.8342G>A, p.Arg2781His (NM_019105.8); short protein forms R2781H.
Identifiers: ClinVar variation 1203822 (VCV001203822.6), dbSNP rs780530688, ClinGen allele CA3733878.
Genomic context (GRCh38, chr6:32,055,976, plus strand): 5'-TTGTATTTGCGCCCGGGCTCCAGGCCCCCCACGGTGACCTCGCTCTCCTCGCCCCTGACA[C>T]GCATCACCTGGGGCCGCCCGTCCCTGTCCTTGTACTGCACGGTGAAGGAGTCGAAGTGGC-3'
Protein context (NP_001352205.1, residues 2771-2791): KDRDGRPQVM[Arg2781His]VRGEESEVTV

ClinVar aggregate classification (germline): Uncertain significance. Review status: criteria provided, multiple submitters, no conflicts (2 of 4 stars). 2 submissions from 2 submitters: Uncertain significance (2). Last evaluated 2024-08-20.

Conditions:
Cardiovascular phenotype. Identifiers: MedGen CN230736.

Allele frequency attached by ClinVar (database versions not stated): gnomAD 0.00001; TOPMed 0.00001; gnomAD exomes 0.00002; ExAC 0.00003.
gnomAD v4.1: 34 of 1,613,356 alleles (0.0021%); highest among the groups gnomAD compares: South Asian, 0.0033%; no homozygotes.

Submissions (2):

Ambry Genetics
Classification: Uncertain significance for Cardiovascular phenotype. Last evaluated: 2024-08-20. Review status: criteria provided, single submitter. Criteria: Ambry Variant Classification Scheme 2023. Collection method: clinical testing. Allele origin: germline.

GeneDx
Classification: Uncertain significance. Last evaluated: 2020-09-01. Review status: criteria provided, single submitter. Criteria: GeneDx Variant Classification Process June 2021. Collection method: clinical testing. Allele origin: germline. Affected: yes.
Comment: Has not been previously published as pathogenic or benign to our knowledge; Not observed at a significant frequency in large population cohorts (Lek et al., 2016); In silico analysis supports that this missense variant does not alter protein structure/function